The following is an entry in ClinVar:

ClinVar aggregate classification (germline): Uncertain significance. Review status: criteria provided, multiple submitters, no conflicts (2 of 4 stars). 2 submissions from 2 submitters: Uncertain significance (2). Last evaluated 2025-03-18.

Conditions:
NRP2-related disorder. Also called: NRP2-related condition.

Allele frequency attached by ClinVar (database versions not stated): gnomAD 0.00001; TOPMed 0.00002; ExAC 0.00003.
gnomAD v4.1: 16 of 1,614,066 alleles (0.00099%); highest among the groups gnomAD compares: East Asian, 0.0022%; no homozygotes.

Submissions (2):

PreventionGenetics, part of Exact Sciences
Classification: Uncertain significance for NRP2-related condition. Last evaluated: 2025-03-18. Review status: criteria provided, single submitter. Criteria: ACMG Guidelines, 2015. Collection method: clinical testing. Allele origin: germline.
Comment: The NRP2 c.971C>G variant is predicted to result in the amino acid substitution p.Ser324Cys. To our knowledge, this variant has not been reported in the literature. This variant is reported in 0.022% of alleles in individuals of East Asian descent in gnomAD. At this time, the clinical significance of this variant is uncertain due to the absence of conclusive functional and genetic evidence.

Ambry Genetics
Classification: Uncertain significance. Last evaluated: 2023-12-08. Review status: criteria provided, single submitter. Criteria: Ambry Variant Classification Scheme 2023. Collection method: clinical testing. Allele origin: germline.

NM_003872.3(NRP2):c.971C>G (p.Ser324Cys)

Gene: NRP2 (neuropilin 2; plus strand). Cytogenetic location: 2q33.3.
Variant type: single nucleotide variant.
Coding change: c.971C>G on transcript NM_003872.3 (MANE Select); coding-DNA position 971, C replaced by G.
Protein change: p.Ser324Cys; replaces serine 324 with cysteine.
Molecular consequence: missense variant.
Genome position (GRCh38, 1-based): chr2:205,726,063, C>G. VCF-style: chr2-205726063-C-G. GRCh37 (hg19) VCF-style: chr2-206590787-C-G.
Other names: c.971C>G, p.Ser324Cys (NM_201267.2, NM_201279.2, NM_018534.4 and 2 more transcripts); short protein forms S324C.
Identifiers: ClinVar variation 3202203 (VCV003202203.3), dbSNP rs371668549, ClinGen allele CA2068965.